The following is an entry in ClinVar:

NM_005660.3(SLC35A2):c.820G>A (p.Val274Met)

Gene: SLC35A2 (solute carrier family 35 member A2; minus strand). Cytogenetic location: Xp11.23.
Variant type: single nucleotide variant.
Coding change: c.820G>A on transcript NM_005660.3 (MANE Select); coding-DNA position 820, G replaced by A.
Protein change: p.Val274Met; replaces valine 274 with methionine.
Molecular consequence: missense variant. On other transcripts: intron variant (3).
Genome position (GRCh38, 1-based): chrX:48,905,089, C>T on the plus strand (G>A on the coding strand, the complement: SLC35A2 is on the minus strand). VCF-style: chrX-48905089-C-T. GRCh37 (hg19) VCF-style: chrX-48762366-C-T.
Other names: c.820G>A, p.Val274Met (NM_001042498.3); c.637G>A, p.Val213Met (NM_001282649.2); c.859G>A, p.Val287Met (NM_001282650.2); c.904G>A, p.Val302Met (NM_001282651.2); c.427-197G>A (NM_001282647.2, NM_001032289.3); c.355-197G>A (NM_001282648.2); short protein forms V213M, V287M, V274M, V302M.
Identifiers: ClinVar variation 1400914 (VCV001400914.8), dbSNP rs1340692327, ClinGen allele CA412895148.

ClinVar aggregate classification (germline): Uncertain significance (1 of 4 stars; one submission).

Conditions:
SLC35A2-congenital disorder of glycosylation. Also called: EPILEPTIC ENCEPHALOPATHY, EARLY INFANTILE, 22; SLC35A2-CDG; CONGENITAL DISORDER OF GLYCOSYLATION, TYPE IIm; CDG IIm; CONGENITAL DISORDER OF GLYCOSYLATION, TYPE IIm, SOMATIC MOSAIC; DEVELOPMENTAL AND EPILEPTIC ENCEPHALOPATHY 22. Identifiers: Orphanet 356961, MedGen C3806688, MONDO:0010478, OMIM 300896.

Allele frequency attached by ClinVar (database versions not stated): TOPMed below 0.00001; gnomAD exomes 0.00001.
gnomAD v4.1: 10 of 1,211,273 alleles (0.00083%); highest among the groups gnomAD compares: East Asian, 0.0059%; no homozygotes.

Submission:

Labcorp Genetics (formerly Invitae), Labcorp
Classification: Uncertain significance for SLC35A2-congenital disorder of glycosylation. Last evaluated: 2025-06-27. Review status: criteria provided, single submitter. Criteria: Invitae Variant Classification Sherloc (09022015). Collection method: clinical testing. Allele origin: germline.
Comment: This sequence change replaces valine, which is neutral and non-polar, with methionine, which is neutral and non-polar, at codon 274 of the SLC35A2 protein (p.Val274Met). This variant is present in population databases (no rsID available, gnomAD 0.005%). This variant has not been reported in the literature in individuals affected with SLC35A2-related conditions. ClinVar contains an entry for this variant (Variation ID: 1400914). Invitae Evidence Modeling of protein sequence and biophysical properties (such as structural, functional, and spatial information, amino acid conservation, physicochemical variation, residue mobility, and thermodynamic stability) indicates that this missense variant is not expected to disrupt SLC35A2 protein function with a negative predictive value of 80%. In summary, the available evidence is currently insufficient to determine the role of this variant in disease. Therefore, it has been classified as a Variant of Uncertain Significance.